The following is an entry in ClinVar:

ClinVar aggregate classification (germline): Likely pathogenic. Review status: criteria provided, multiple submitters, no conflicts (2 of 4 stars). 2 submissions from 2 submitters: Likely pathogenic (2). Last evaluated 2019-12-15.

Conditions:
Charcot-Marie-Tooth disease type 1B. Also called: Charcot-Marie-Tooth disease, demyelinating, type 1b; Hereditary motor and sensory neuropathy 1B; Charcot-Marie-Tooth disease, type IB; CHARCOT-MARIE-TOOTH DISEASE, AUTOSOMAL DOMINANT, WITH FOCALLY FOLDED MYELIN SHEATHS, TYPE 1B; CHARCOT-MARIE-TOOTH DISEASE, SLOW NERVE CONDUCTION TYPE, LINKED TO DUFFY; CHARCOT-MARIE-TOOTH NEUROPATHY, TYPE 1B. Identifiers: Orphanet 101082, MedGen C0270912, MONDO:0007307, OMIM 118200.
Charcot-Marie-Tooth disease, type I (CMT1). Also called: Charcot-Marie-Tooth disease type 1; Charcot-Marie-Tooth, Type 1. Identifiers: Orphanet 65753, MedGen C0751036, MONDO:0019011.

Submissions (2):

Labcorp Genetics (formerly Invitae), Labcorp
Classification: Likely pathogenic for Charcot-Marie-Tooth disease, type I. Last evaluated: 2019-12-15. Review status: criteria provided, single submitter. Criteria: Invitae Variant Classification Sherloc (09022015). Collection method: clinical testing. Allele origin: germline.
Comment: In summary, the currently available evidence indicates that the variant is pathogenic, but additional data are needed to prove that conclusively. Therefore, this variant has been classified as Likely Pathogenic. This variant disrupts the p.Trp101 amino acid residue in MPZ. Other variant(s) that disrupt this residue have been determined to be pathogenic (PMID: 7550231). This suggests that this residue is clinically significant, and that variants that disrupt this residue are likely to be disease-causing. Advanced modeling of protein sequence and biophysical properties (such as structural, functional, and spatial information, amino acid conservation, physicochemical variation, residue mobility, and thermodynamic stability) performed at Invitae indicates that this missense variant is expected to disrupt MPZ protein function. This variant has been observed in individual(s) with clinical features of Charcot-Marie-Tooth disease (Invitae). ClinVar contains an entry for this variant (Variation ID: 411674). This variant is not present in population databases (ExAC no frequency). This sequence change replaces tryptophan with arginine at codon 101 of the MPZ protein (p.Trp101Arg). The tryptophan residue is highly conserved and there is a moderate physicochemical difference between tryptophan and arginine.

Mendelics
Classification: Likely pathogenic for Charcot-Marie-Tooth disease type 1B. Last evaluated: 2019-05-28. Review status: criteria provided, single submitter. Criteria: Mendelics Assertion Criteria 2017. Collection method: clinical testing. Allele origin: unknown.

Literature cited by the submitters: PubMed 7550231 (cited by Labcorp Genetics (formerly Invitae), Labcorp).

NM_000530.8(MPZ):c.301T>C (p.Trp101Arg)

Gene: MPZ (myelin protein zero; minus strand). Cytogenetic location: 1q23.3.
Variant type: single nucleotide variant.
Coding change: c.301T>C on transcript NM_000530.8 (MANE Select); coding-DNA position 301, T replaced by C.
Protein change: p.Trp101Arg; replaces tryptophan 101 with arginine.
Molecular consequence: missense variant.
Genome position (GRCh38, 1-based): chr1:161,306,855, A>G on the plus strand (T>C on the coding strand, the complement: MPZ is on the minus strand). VCF-style: chr1-161306855-A-G. GRCh37 (hg19) VCF-style: chr1-161276645-A-G.
Other names: c.301T>C, p.Trp101Arg (NM_001315491.2); c.301T>C (LRG_256t1); short protein forms W101R.
Identifiers: ClinVar variation 411674 (VCV000411674.11), dbSNP rs1060503423, ClinGen allele CA16609892.